The following is an entry in ClinVar:

NM_001276345.2(TNNT2):c.407G>T (p.Arg136Met)

Gene: TNNT2 (troponin T2, cardiac type; minus strand). Cytogenetic location: 1q32.1.
Variant type: single nucleotide variant.
Coding change: c.407G>T on transcript NM_001276345.2 (MANE Select); coding-DNA position 407, G replaced by T.
Protein change: p.Arg136Met; replaces arginine 136 with methionine.
Molecular consequence: missense variant. On other transcripts: intron variant (1).
Genome position (GRCh38, 1-based): chr1:201,365,195, C>A on the plus strand (G>T on the coding strand, the complement: TNNT2 is on the minus strand). VCF-style: chr1-201365195-C-A. GRCh37 (hg19) VCF-style: chr1-201334323-C-A.
Other names: c.407G>T, p.Arg136Met (NM_000364.4, NM_001406723.1); c.377G>T, p.Arg126Met (NM_001001430.3, NM_001001431.3, NM_001276347.2 and 3 more transcripts); c.362G>T, p.Arg121Met (NM_001001432.3, NM_001406728.1); c.374G>T, p.Arg125Met (NM_001406725.1); c.291+415G>T (NM_001276346.2); short protein forms R121M, R125M, R126M, R136M.
Identifiers: ClinVar variation 2934672 (VCV002934672.4), dbSNP rs1659424789, ClinGen allele CA344206165.

ClinVar aggregate classification (germline): Uncertain significance. Review status: criteria provided, multiple submitters, no conflicts (2 of 4 stars). 2 submissions from 2 submitters: Uncertain significance (2). Last evaluated 2023-11-30.

Conditions:
Cardiomyopathy (CMYO). Also called: Cardiomyopathies. Identifiers: Orphanet 167848, MedGen C0878544, MONDO:0004994, HP:0001638. Inheritance: Various modes of inheritance.
Dilated cardiomyopathy 1D. Identifiers: Orphanet 154, Orphanet 54260, MedGen C1832243, MONDO:0011095, OMIM 601494.
Hypertrophic cardiomyopathy 2. Also called: TNNT2-Related Familial Hypertrophic Cardiomyopathy. Identifiers: MedGen C1861864, MONDO:0007266, OMIM 115195.
Cardiomyopathy, familial restrictive, 3. Identifiers: Orphanet 75249, MedGen C2676271, MONDO:0012900, OMIM 612422.

Allele frequency attached by ClinVar (database versions not stated): gnomAD 0.00001.
gnomAD v4.1: 1 of 1,613,462 alleles (0.000062%); highest among the groups gnomAD compares: Admixed American, 0.0017%; no homozygotes.

Submissions (2):

All of Us Research Program, National Institutes of Health
Classification: Uncertain significance for Cardiomyopathy. Last evaluated: 2023-11-30. Review status: criteria provided, single submitter. Criteria: ACMG Guidelines, 2015. Collection method: clinical testing. Allele origin: germline. Inheritance: Autosomal dominant inheritance. Observed: 1 variant allele, 1 heterozygote.
Comment: This study involves interpretation of variants in research participants for the purpose of population health screening. Participant phenotype was not available at the time of variant classification. Additional details can be found in publication PMID: 35346344, PMCID: PMC8962531

Labcorp Genetics (formerly Invitae), Labcorp
Classification: Uncertain significance for Cardiomyopathy, familial restrictive, 3; Hypertrophic cardiomyopathy 2; Dilated cardiomyopathy 1D. Last evaluated: 2023-07-24. Review status: criteria provided, single submitter. Criteria: Invitae Variant Classification Sherloc (09022015). Collection method: clinical testing. Allele origin: germline.
Comment: This variant is not present in population databases (gnomAD no frequency). This sequence change replaces arginine, which is basic and polar, with methionine, which is neutral and non-polar, at codon 126 of the TNNT2 protein (p.Arg126Met). This variant has not been reported in the literature in individuals affected with TNNT2-related conditions. Advanced modeling of protein sequence and biophysical properties (such as structural, functional, and spatial information, amino acid conservation, physicochemical variation, residue mobility, and thermodynamic stability) performed at Invitae indicates that this missense variant is expected to disrupt TNNT2 protein function. In summary, the available evidence is currently insufficient to determine the role of this variant in disease. Therefore, it has been classified as a Variant of Uncertain Significance.